The following is an entry in ClinVar:

ClinVar aggregate classification (germline): Uncertain significance (1 of 4 stars; one submission).

Conditions:
Cardiovascular phenotype. Identifiers: MedGen CN230736.

gnomAD v4.1: 2 of 1,610,166 alleles (0.00012%); highest among the groups gnomAD compares: Non-Finnish European, 0.00017%; no homozygotes.

Submission:

Ambry Genetics
Classification: Uncertain significance for Cardiovascular phenotype. Last evaluated: 2024-07-17. Review status: criteria provided, single submitter. Criteria: Ambry Variant Classification Scheme 2023. Collection method: clinical testing. Allele origin: germline.
Comment: The p.P183L variant (also known as c.548C>T), located in coding exon 3 of the JUP gene, results from a C to T substitution at nucleotide position 548. The proline at codon 183 is replaced by leucine, an amino acid with similar properties. This amino acid position is conserved. In addition, this alteration is predicted to be tolerated by in silico analysis. Based on the available evidence, the clinical significance of this variant remains unclear.

NM_002230.4(JUP):c.548C>T (p.Pro183Leu)

Gene: JUP (junction plakoglobin; minus strand). Cytogenetic location: 17q21.2.
Variant type: single nucleotide variant.
Coding change: c.548C>T on transcript NM_002230.4 (MANE Select); coding-DNA position 548, C replaced by T.
Protein change: p.Pro183Leu; replaces proline 183 with leucine.
Molecular consequence: missense variant.
Genome position (GRCh38, 1-based): chr17:41,769,128, G>A on the plus strand (C>T on the coding strand, the complement: JUP is on the minus strand). VCF-style: chr17-41769128-G-A. GRCh37 (hg19) VCF-style: chr17-39925380-G-A.
Other names: c.548C>T, p.Pro183Leu (NM_001352773.2, NM_001352774.2, NM_001352775.2 and 3 more transcripts); short protein forms P183L.
Identifiers: ClinVar variation 3531615 (VCV003531615.1).